The following is an entry in ClinVar:

NM_004006.3(DMD):c.634C>G (p.Leu212Val)

Gene: DMD (dystrophin; minus strand). Cytogenetic location: Xp21.1.
Variant type: single nucleotide variant.
Coding change: c.634C>G on transcript NM_004006.3 (MANE Select); coding-DNA position 634, C replaced by G.
Protein change: p.Leu212Val; replaces leucine 212 with valine.
Molecular consequence: missense variant.
Genome position (GRCh38, 1-based): chrX:32,809,508, G>C on the plus strand (C>G on the coding strand, the complement: DMD is on the minus strand). VCF-style: chrX-32809508-G-C. GRCh37 (hg19) VCF-style: chrX-32827625-G-C.
Other names: c.610C>G, p.Leu204Val (NM_000109.4); c.622C>G, p.Leu208Val (NM_004009.3); c.265C>G, p.Leu89Val (NM_004010.3); short protein forms L204V, L89V, L208V, L212V.
Identifiers: ClinVar variation 3840486 (VCV003840486.1).
Genomic context (GRCh38, chrX:32,809,508, plus strand): 5'-AACTCTACCATACTAAAAGCAGTGGTAGTCCAGAAATTTACCAACCTTCAGGATCGAGTA[G>C]TTTCTCTATGCCTAATTGATATCTGGCGATGTTGAATGCATGTTCCAGTCGTTGTGTGGC-3'
Protein context (NP_003997.2, residues 202-222): IARYQLGIEK[Leu212Val]LDPEDVDTTY

ClinVar aggregate classification (germline): Uncertain significance (1 of 4 stars; one submission).

Conditions:
Cardiovascular phenotype. Identifiers: MedGen CN230736.

Submission:

Ambry Genetics
Classification: Uncertain significance for Cardiovascular phenotype. Last evaluated: 2025-02-20. Review status: criteria provided, single submitter. Criteria: Ambry Variant Classification Scheme 2023. Collection method: clinical testing. Allele origin: germline.
Comment: The p.L212V variant (also known as c.634C>G), located in coding exon 7 of the DMD gene, results from a C to G substitution at nucleotide position 634. The leucine at codon 212 is replaced by valine, an amino acid with highly similar properties. This amino acid position is highly conserved in available vertebrate species. In addition, this alteration is predicted to be deleterious by in silico analysis. Based on the available evidence, the clinical significance of this variant remains unclear.